The following is an entry in ClinVar:

NM_004453.4(ETFDH):c.678A>G (p.Ala226=)

Gene: ETFDH (electron transfer flavoprotein dehydrogenase; plus strand). Cytogenetic location: 4q32.1.
Variant type: single nucleotide variant.
Coding change: c.678A>G on transcript NM_004453.4 (MANE Select); coding-DNA position 678, A replaced by G.
Protein change: p.Ala226=; no amino-acid change (alanine 226 retained).
Molecular consequence: synonymous variant.
Genome position (GRCh38, 1-based): chr4:158,690,419, A>G. VCF-style: chr4-158690419-A-G. GRCh37 (hg19) VCF-style: chr4-159611571-A-G.
Other names: c.537A>G, p.Ala179= (NM_001281737.2); c.495A>G, p.Ala165= (NM_001281738.1).
Identifiers: ClinVar variation 515338 (VCV000515338.20), dbSNP rs372865586, ClinGen allele CA3122426.

ClinVar aggregate classification (germline): Likely benign. Review status: criteria provided, multiple submitters, no conflicts (2 of 4 stars). 3 submissions from 3 submitters: Likely benign (3). Last evaluated 2026-01-20.

Conditions:
Multiple acyl-CoA dehydrogenase deficiency (MADD). Also called: Glutaric aciduria, type 2; Glutaric Acidemia type 2; ETHYLMALONIC-ADIPICACIDURIA; GA II; Glutaric acidemia type II; GA 2. Identifiers: Orphanet 26791, MedGen C0268596, MONDO:0009282, OMIM 231680.

Allele frequency attached by ClinVar (database versions not stated): ExAC 0.00002; gnomAD exomes 0.00003 and 0.00007; TOPMed 0.00004; gnomAD 0.00005; ESP Exome Variant Server 0.00008.

Submissions (3):

Labcorp Genetics (formerly Invitae), Labcorp
Classification: Likely benign for Multiple acyl-CoA dehydrogenase deficiency. Last evaluated: 2026-01-20. Review status: criteria provided, single submitter. Criteria: Invitae Variant Classification Sherloc (09022015). Collection method: clinical testing. Allele origin: germline.

CeGaT Center for Human Genetics Tuebingen
Classification: Likely benign. Last evaluated: 2025-06-01. Review status: criteria provided, single submitter. Criteria: CeGaT Center For Human Genetics Tuebingen Variant Classification Criteria Version 2. Collection method: clinical testing. Allele origin: germline. Affected: yes. Observed: 1 variant allele.
Comment: ETFDH: BP4, BP7

GeneDx
Classification: Likely benign. Last evaluated: 2018-02-19. Review status: criteria provided, single submitter. Criteria: GeneDx Variant Classification (06012015). Collection method: clinical testing. Allele origin: germline. Affected: yes.
Comment: This variant is considered likely benign or benign based on one or more of the following criteria: it is a conservative change, it occurs at a poorly conserved position in the protein, it is predicted to be benign by multiple in silico algorithms, and/or has population frequency not consistent with disease.